The following is an entry in ClinVar:

NM_000051.4(ATM):c.1035G>T (p.Leu345Phe)

Gene: ATM (ATM serine/threonine kinase; plus strand). Cytogenetic location: 11q22.3.
Variant type: single nucleotide variant.
Coding change: c.1035G>T on transcript NM_000051.4 (MANE Select); coding-DNA position 1035, G replaced by T.
Protein change: p.Leu345Phe; replaces leucine 345 with phenylalanine.
Molecular consequence: missense variant.
Genome position (GRCh38, 1-based): chr11:108,247,097, G>T. VCF-style: chr11-108247097-G-T. GRCh37 (hg19) VCF-style: chr11-108117824-G-T.
Other names: c.1035G>T, p.Leu345Phe (NM_001351834.2); short protein forms L345F.
Identifiers: ClinVar variation 4756351 (VCV004756351.1).

ClinVar aggregate classification (germline): Uncertain significance (1 of 4 stars; one submission).

Conditions:
Hereditary cancer-predisposing syndrome. Also called: Tumor predisposition; Hereditary Cancer Syndrome; Neoplastic Syndromes, Hereditary; Hereditary neoplastic syndrome. Identifiers: Orphanet 140162, MedGen C0027672, MeSH D009386, MONDO:0015356.

Submission:

Color Diagnostics, LLC DBA Color Health
Classification: Uncertain significance for Hereditary cancer-predisposing syndrome. Last evaluated: 2025-12-08. Review status: criteria provided, single submitter. Criteria: ACMG Guidelines, 2015. Collection method: clinical testing. Allele origin: germline.
Comment: This missense variant replaces leucine with phenylalanine at codon 345 of the ATM protein. Computational prediction suggests that this variant may not impact protein structure and function. To our knowledge, functional studies have not been reported for this variant. This variant has not been reported in individuals affected with ATM-related disorders in the literature. This variant has not been identified in the general population by the Genome Aggregation Database (gnomAD). The available evidence is insufficient to determine the role of this variant in disease conclusively. Therefore, this variant is classified as a Variant of Uncertain Significance.